The following is an entry in ClinVar:

NM_000090.4(COL3A1):c.1995C>T (p.Ala665=)

Gene: COL3A1 (collagen type III alpha 1 chain; plus strand). Cytogenetic location: 2q32.2.
Variant type: single nucleotide variant.
Coding change: c.1995C>T on transcript NM_000090.4 (MANE Select); coding-DNA position 1995, C replaced by T.
Protein change: p.Ala665=; no amino-acid change (alanine 665 retained).
Molecular consequence: synonymous variant.
Genome position (GRCh38, 1-based): chr2:188,998,691, C>T. VCF-style: chr2-188998691-C-T. GRCh37 (hg19) VCF-style: chr2-189863417-C-T.
Identifiers: ClinVar variation 507052 (VCV000507052.64), dbSNP rs149093989, ClinGen allele CA074895.

ClinVar aggregate classification (germline): Benign/Likely benign. Review status: criteria provided, multiple submitters, no conflicts (2 of 4 stars). 10 submissions from 10 submitters: Benign (2); Likely benign (8). Last evaluated 2026-01-16.

Conditions:
COL3A1-related disorder. Also called: COL3A1-related condition.
Familial thoracic aortic aneurysm and aortic dissection (TAAD). Also called: Thoracic aortic aneurysms and dissections. Identifiers: Orphanet 91387, MedGen C4707243, MONDO:0019625.
Ehlers-Danlos syndrome, type 4 (EDSVASC). Also called: Ehlers-Danlos syndrome vascular type; Ehlers Danlos syndrome, ecchymotic type; Ehlers Danlos syndrome, arterial type; Ehlers Danlos syndrome, Sack-Barabas type; Ehlers-Danlos Syndrome Type IV. Identifiers: Orphanet 286, MedGen C0268338, MONDO:0017314, OMIM 130050.

Allele frequency attached by ClinVar (database versions not stated): gnomAD 0.00006 and 0.00008; gnomAD exomes 0.00007 and 0.00012; ExAC 0.00009; TOPMed 0.00009; 1000 Genomes Project 30x 0.00016; 1000 Genomes Project 0.00020; ESP Exome Variant Server 0.00023.
gnomAD v4.1: 183 of 1,613,784 alleles (0.011%); highest among the groups gnomAD compares: Non-Finnish European, 0.015%; no homozygotes.

Submissions (10):

Labcorp Genetics (formerly Invitae), Labcorp
Classification: Likely benign for Ehlers-Danlos syndrome, type 4. Last evaluated: 2026-01-16. Review status: criteria provided, single submitter. Criteria: Invitae Variant Classification Sherloc (09022015). Collection method: clinical testing. Allele origin: germline.

CeGaT Center for Human Genetics Tuebingen
Classification: Likely benign. Last evaluated: 2024-11-01. Review status: criteria provided, single submitter. Criteria: CeGaT Center For Human Genetics Tuebingen Variant Classification Criteria Version 2. Collection method: clinical testing. Allele origin: germline. Affected: yes. Observed: 8 variant alleles.
Comment: COL3A1: BP4, BP7

PreventionGenetics, part of Exact Sciences
Classification: Likely benign for COL3A1-related condition. Last evaluated: 2024-10-29. Review status: criteria provided, single submitter. Criteria: ACMG Guidelines, 2015. Collection method: clinical testing. Allele origin: germline.
Comment: This variant is classified as likely benign based on ACMG/AMP sequence variant interpretation guidelines (Richards et al. 2015 PMID: 25741868, with internal and published modifications).

Women's Health and Genetics/Laboratory Corporation of America, LabCorp
Classification: Benign. Last evaluated: 2024-03-31. Review status: criteria provided, single submitter. Criteria: LabCorp Variant Classification Summary - May 2015. Collection method: clinical testing. Allele origin: germline.

Blueprint Genetics
Classification: Likely benign. Last evaluated: 2024-02-08. Review status: criteria provided, single submitter. Criteria: ACMG Guidelines, 2015. Collection method: clinical testing. Allele origin: germline.

All of Us Research Program, National Institutes of Health
Classification: Likely benign for Ehlers-Danlos syndrome, type 4. Last evaluated: 2023-12-18. Review status: criteria provided, single submitter. Criteria: ACMG Guidelines, 2015. Collection method: clinical testing. Allele origin: germline. Inheritance: Autosomal dominant inheritance. Observed: 30 variant alleles, 30 heterozygotes.
Comment: This study involves interpretation of variants in research participants for the purpose of population health screening. Participant phenotype was not available at the time of variant classification. Additional details can be found in publication PMID: 35346344, PMCID: PMC8962531

GeneDx
Classification: Likely benign. Last evaluated: 2021-03-11. Review status: criteria provided, single submitter. Criteria: GeneDx Variant Classification Process June 2021. Collection method: clinical testing. Allele origin: germline. Affected: yes.

Ambry Genetics
Classification: Likely benign for Familial thoracic aortic aneurysm and aortic dissection. Last evaluated: 2020-01-02. Review status: criteria provided, single submitter. Criteria: Ambry Variant Classification Scheme 2023. Collection method: clinical testing. Allele origin: germline.

Color Diagnostics, LLC DBA Color Health
Classification: Likely benign for Familial thoracic aortic aneurysm and aortic dissection. Last evaluated: 2018-12-03. Review status: criteria provided, single submitter. Criteria: ACMG Guidelines, 2015. Collection method: clinical testing. Allele origin: germline.

Illumina Laboratory Services, Illumina
Classification: Benign for Ehlers-Danlos syndrome, type 4. Last evaluated: 2018-01-13. Review status: criteria provided, single submitter. Criteria: ICSL Variant Classification Criteria 13 December 2019. Collection method: clinical testing. Allele origin: germline.
Comment: This variant was observed in the ICSL laboratory as part of a predisposition screen in an ostensibly healthy population. It had not been previously curated by ICSL or reported in the Human Gene Mutation Database (HGMD: prior to June 1st, 2018), and was therefore a candidate for classification through an automated scoring system. Utilizing variant allele frequency, disease prevalence and penetrance estimates, and inheritance mode, an automated score was calculated to assess if this variant is too frequent to cause the disease. Based on the score and internal cut-off values, a variant classified as benign is not then subjected to further curation. The score for this variant resulted in a classification of benign for this disease.